The following is an entry in ClinVar:

ClinVar aggregate classification (germline): Likely benign. Review status: criteria provided, single submitter (1 of 4 stars). 2 submissions from 2 submitters: Likely benign (1). 1 of the submissions does not count toward it. Last evaluated 2025-09-28.

Conditions:
DNM2-related disorder. Also called: DNM2-related condition.
Charcot-Marie-Tooth disease dominant intermediate B (CMTDIB). Also called: CHARCOT-MARIE-TOOTH NEUROPATHY, DOMINANT INTERMEDIATE B; Charcot-Marie-Tooth disease dominant intermediate 1; CMT DI1; Charcot-Marie-Tooth disease dominant intermediate I. Identifiers: Orphanet 100044, Orphanet 228179, MedGen C1847902, MONDO:0011674, OMIM 606482.

Allele frequency attached by ClinVar (database versions not stated): gnomAD exomes 0.00001; ExAC 0.00002; ESP Exome Variant Server 0.00008; gnomAD 0.00008 and 0.00009; TOPMed 0.00010; 1000 Genomes Project 30x 0.00016; 1000 Genomes Project 0.00020.
gnomAD v4.1: 29 of 1,613,978 alleles (0.0018%); highest among the groups gnomAD compares: African/African-American, 0.024%; no homozygotes.

Submissions (2):

Labcorp Genetics (formerly Invitae), Labcorp
Classification: Likely benign for Charcot-Marie-Tooth disease dominant intermediate B. Last evaluated: 2025-09-28. Review status: criteria provided, single submitter. Criteria: Invitae Variant Classification Sherloc (09022015). Collection method: clinical testing. Allele origin: germline.

PreventionGenetics, part of Exact Sciences
Classification: Likely benign for DNM2-related condition. Last evaluated: 2019-03-25. Review status: no assertion criteria provided. Collection method: clinical testing. Allele origin: germline. Not counted in ClinVar's aggregate classification.
Comment: This variant is classified as likely benign based on ACMG/AMP sequence variant interpretation guidelines (Richards et al. 2015 PMID: 25741868, with internal and published modifications).

NM_001005361.3(DNM2):c.1196+652C>T

Gene: DNM2 (dynamin 2; plus strand). Cytogenetic location: 19p13.2.
Variant type: single nucleotide variant.
Coding change: c.1196+652C>T on transcript NM_001005361.3 (MANE Select); 652 bases into the intron after coding-DNA position 1196, C replaced by T.
Molecular consequence: intron variant. On other transcripts: synonymous variant (3).
Genome position (GRCh38, 1-based): chr19:10,796,091, C>T. VCF-style: chr19-10796091-C-T. GRCh37 (hg19) VCF-style: chr19-10906767-C-T.
Other names: c.1227C>T, p.Phe409= (NM_001005360.3, NM_001190716.2, NM_004945.4); c.1196+652C>T (NM_001005362.3).
Identifiers: ClinVar variation 704704 (VCV000704704.13), dbSNP rs377319162, ClinGen allele CA9201034.